The following is an entry in ClinVar:

NM_002470.3(MYH3):c.725C>T (p.Ser242Phe)

Gene: MYH3 (myosin heavy chain 3; minus strand). Cytogenetic location: 17p13.1.
Variant type: single nucleotide variant.
Coding change: c.725C>T on transcript NM_002470.3; coding-DNA position 725, C replaced by T.
Protein change: p.Ser242Phe; replaces serine 242 with phenylalanine.
Molecular consequence: missense variant (on NM_002470.4).
Genome position (GRCh38, 1-based): chr17:10,648,567, G>A on the plus strand (C>T on the coding strand, the complement: MYH3 is on the minus strand). VCF-style: chr17-10648567-G-A. GRCh37 (hg19) VCF-style: chr17-10551884-G-A.
Other names: c.725C>T, p.Ser242Phe (NM_002470.4); short protein forms S242F.
Identifiers: ClinVar variation 590257 (VCV000590257.4), dbSNP rs1567560718.

ClinVar aggregate classification (germline): Conflicting classifications of pathogenicity. Review status: criteria provided, conflicting classifications (1 of 4 stars). 2 submissions from 2 submitters: Likely pathogenic (1); Uncertain significance (1). Last evaluated 2025-03-24.

Submissions (2):

GeneDx
Classification: Likely pathogenic. Last evaluated: 2025-03-24. Review status: criteria provided, single submitter. Criteria: GeneDx Variant Classification Process June 2021. Collection method: clinical testing. Allele origin: germline. Affected: yes.
Comment: Not observed at significant frequency in large population cohorts (gnomAD); In silico analysis supports that this missense variant has a deleterious effect on protein structure/function; Has not been previously published as pathogenic or benign to our knowledge; This variant is associated with the following publications: (PMID: 33060286)

Labcorp Genetics (formerly Invitae), Labcorp
Classification: Uncertain significance. Last evaluated: 2024-11-15. Review status: criteria provided, single submitter. Criteria: Invitae Variant Classification Sherloc (09022015). Collection method: clinical testing. Allele origin: germline.
Comment: This sequence change replaces serine, which is neutral and polar, with phenylalanine, which is neutral and non-polar, at codon 242 of the MYH3 protein (p.Ser242Phe). This variant is not present in population databases (gnomAD no frequency). This variant has not been reported in the literature in individuals affected with MYH3-related conditions. ClinVar contains an entry for this variant (Variation ID: 590257). Invitae Evidence Modeling of protein sequence and biophysical properties (such as structural, functional, and spatial information, amino acid conservation, physicochemical variation, residue mobility, and thermodynamic stability) has been performed for this missense variant. However, the output from this modeling did not meet the statistical confidence thresholds required to predict the impact of this variant on MYH3 protein function. This variant disrupts the p.Ser242 amino acid residue in MYH3. Other variant(s) that disrupt this residue have been determined to be pathogenic (PMID: 33060286). This suggests that this residue is clinically significant, and that variants that disrupt this residue are likely to be disease-causing. In summary, the available evidence is currently insufficient to determine the role of this variant in disease. Therefore, it has been classified as a Variant of Uncertain Significance.

Literature cited by the submitters: PubMed 33060286 (cited by Labcorp Genetics (formerly Invitae), Labcorp).